The following is an entry in ClinVar:

ClinVar aggregate classification (germline): Benign (1 of 4 stars; one submission).

Allele frequency attached by ClinVar (database versions not stated): 1000 Genomes Project 30x 0.93770; 1000 Genomes Project 0.94289; TOPMed 0.94677; gnomAD 0.95430; gnomAD exomes 0.99418.
gnomAD v4.1: 487,645 of 496,966 alleles (98%); highest among the groups gnomAD compares: East Asian, 100%; 239,903 homozygotes.

Submission:

GeneDx
Classification: Benign. Last evaluated: 2018-06-14. Review status: criteria provided, single submitter. Criteria: GeneDx Variant Classification (06012015). Collection method: clinical testing. Allele origin: germline. Affected: yes.
Comment: This variant is considered likely benign or benign based on one or more of the following criteria: it is a conservative change, it occurs at a poorly conserved position in the protein, it is predicted to be benign by multiple in silico algorithms, and/or has population frequency not consistent with disease.

NM_003119.4(SPG7):c.1552+244T>C

Gene: SPG7 (SPG7 matrix AAA peptidase subunit, paraplegin; plus strand). Cytogenetic location: 16q24.3.
Variant type: single nucleotide variant.
Coding change: c.1552+244T>C on transcript NM_003119.4 (MANE Select); 244 bases into the intron after coding-DNA position 1552, T replaced by C.
Molecular consequence: intron variant.
Genome position (GRCh38, 1-based): chr16:89,547,004, T>C. VCF-style: chr16-89547004-T-C. GRCh37 (hg19) VCF-style: chr16-89613412-T-C.
Other names: c.1552+244T>C (NM_001363850.1).
Identifiers: ClinVar variation 670129 (VCV000670129.1), dbSNP rs462561, ClinGen allele CA286562087.